The following is an entry in ClinVar:

ClinVar aggregate classification (germline): Uncertain significance (1 of 4 stars; one submission).

Conditions:
Dowling-Degos disease 2 (DDD2). Identifiers: Orphanet 79145, MedGen C3809147, MONDO:0014130, OMIM 615327.

Allele frequency attached by ClinVar (database versions not stated): gnomAD exomes below 0.00001; TOPMed below 0.00001.
gnomAD v4.1: 1 of 1,613,446 alleles (0.000062%); highest among the groups gnomAD compares: African/African-American, 0.0013%; no homozygotes.

Submission:

Labcorp Genetics (formerly Invitae), Labcorp
Classification: Uncertain significance for Dowling-Degos disease 2. Last evaluated: 2025-06-12. Review status: criteria provided, single submitter. Criteria: Invitae Variant Classification Sherloc (09022015). Collection method: clinical testing. Allele origin: germline.
Comment: This sequence change replaces aspartic acid, which is acidic and polar, with glycine, which is neutral and non-polar, at codon 340 of the POFUT1 protein (p.Asp340Gly). This variant is present in population databases (no rsID available, gnomAD 0.008%). This variant has not been reported in the literature in individuals affected with POFUT1-related conditions. ClinVar contains an entry for this variant (Variation ID: 2795389). An algorithm developed to predict the effect of missense changes on protein structure and function (PolyPhen-2) suggests that this variant is likely to be disruptive. In summary, the available evidence is currently insufficient to determine the role of this variant in disease. Therefore, it has been classified as a Variant of Uncertain Significance.

NM_015352.2(POFUT1):c.1019A>G (p.Asp340Gly)

Gene: POFUT1 (protein O-fucosyltransferase 1; plus strand). Cytogenetic location: 20q11.21.
Variant type: single nucleotide variant.
Coding change: c.1019A>G on transcript NM_015352.2 (MANE Select); coding-DNA position 1019, A replaced by G.
Protein change: p.Asp340Gly; replaces aspartic acid 340 with glycine.
Molecular consequence: missense variant.
Genome position (GRCh38, 1-based): chr20:32,234,513, A>G. VCF-style: chr20-32234513-A-G. GRCh37 (hg19) VCF-style: chr20-30822316-A-G.
Other names: short protein forms D340G.
Identifiers: ClinVar variation 2795389 (VCV002795389.3), dbSNP rs1347822838, ClinGen allele CA408556788.